The following is an entry in ClinVar:

NM_003476.5(CSRP3):c.54C>A (p.Tyr18Ter)

Gene: CSRP3 (cysteine and glycine rich protein 3; minus strand). Cytogenetic location: 11p15.1.
Variant type: single nucleotide variant.
Coding change: c.54C>A on transcript NM_003476.5 (MANE Select); coding-DNA position 54, C replaced by A.
Protein change: p.Tyr18Ter; replaces tyrosine 18 with a stop codon.
Molecular consequence: nonsense.
Genome position (GRCh38, 1-based): chr11:19,192,395, G>T on the plus strand (C>A on the coding strand, the complement: CSRP3 is on the minus strand). VCF-style: chr11-19192395-G-T. GRCh37 (hg19) VCF-style: chr11-19213942-G-T.
Other names: c.54C>A, p.Tyr18Ter (NM_001369404.1); short protein forms Y18*.
Identifiers: ClinVar variation 3759643 (VCV003759643.2).

ClinVar aggregate classification (germline): Pathogenic (1 of 4 stars; one submission).

Conditions:
Dilated cardiomyopathy 1M (CMD1M). Identifiers: Orphanet 154, MedGen C1843808, MONDO:0011840, OMIM 607482.
Hypertrophic cardiomyopathy 12. Identifiers: MedGen C2677491, MONDO:0012804, OMIM 612124.

Submission:

Labcorp Genetics (formerly Invitae), Labcorp
Classification: Pathogenic for Hypertrophic cardiomyopathy 12; Dilated cardiomyopathy 1M. Last evaluated: 2024-12-12. Review status: criteria provided, single submitter. Criteria: Invitae Variant Classification Sherloc (09022015). Collection method: clinical testing. Allele origin: germline.
Comment: This sequence change creates a premature translational stop signal (p.Tyr18*) in the CSRP3 gene. It is expected to result in an absent or disrupted protein product. Loss-of-function variants in CSRP3 are known to be pathogenic (PMID: 12642359, 14567970, 16352453, 20087448, 34558151). This variant is not present in population databases (gnomAD no frequency). This variant has not been reported in the literature in individuals affected with CSRP3-related conditions. For these reasons, this variant has been classified as Pathogenic.

Literature cited by the submitters: PubMed 12642359; PubMed 14567970; PubMed 16352453; PubMed 20087448; PubMed 34558151.